The following is an entry in ClinVar:

NM_018006.5(TRMU):c.116G>A (p.Trp39Ter)

Gene: TRMU (tRNA mitochondrial 2-thiouridylase; plus strand). Cytogenetic location: 22q13.31.
Variant type: single nucleotide variant.
Coding change: c.116G>A on transcript NM_018006.5 (MANE Select); coding-DNA position 116, G replaced by A.
Protein change: p.Trp39Ter; replaces tryptophan 39 with a stop codon.
Molecular consequence: nonsense. On other transcripts: 5 prime UTR variant (3), non-coding transcript variant (2).
Genome position (GRCh38, 1-based): chr22:46,337,812, G>A. VCF-style: chr22-46337812-G-A. GRCh37 (hg19) VCF-style: chr22-46733709-G-A.
Other names: c.-120G>A (NM_001282782.2); c.-139G>A (NM_001282783.2, NM_001282784.2); c.116G>A, p.Trp39Ter (NM_001282785.2); short protein forms W39*.
Identifiers: ClinVar variation 5002401 (VCV005002401.1).

ClinVar aggregate classification (germline): Likely pathogenic (1 of 4 stars; one submission).

Conditions:
TRMU-related disorder. Also called: TRMU-related condition.

gnomAD v4.1: 10 of 1,614,094 alleles (0.00062%); highest among the groups gnomAD compares: Non-Finnish European, 0.00085%; no homozygotes.

Submission:

PreventionGenetics, part of Exact Sciences
Classification: Likely pathogenic for TRMU-related condition. Last evaluated: 2025-03-13. Review status: criteria provided, single submitter. Criteria: ACMG Guidelines, 2015. Collection method: clinical testing. Allele origin: germline.
Comment: The TRMU c.116G>A variant is predicted to result in premature protein termination (p.Trp39*). To our knowledge, this variant has not been reported in the literature or in a large population database (gnomAD), indicating this variant is rare. However, an alternate nucleotide substitution (c.117G>A) resulting in the same nonsense variant has been reported in the compound heterozygous state in two siblings with infantile liver failure (Meng et al. 2017. PubMed ID: 28973083; Soler-Alfonso et al. 2019. PubMed ID: 30740308). Nonsense variants in TRMU are expected to be pathogenic. This variant is interpreted as likely pathogenic.